The following is an entry in ClinVar:

NM_020433.5(JPH2):c.589C>T (p.Arg197Cys)

Gene: JPH2 (junctophilin 2; minus strand). Cytogenetic location: 20q13.12.
Variant type: single nucleotide variant.
Coding change: c.589C>T on transcript NM_020433.5 (MANE Select); coding-DNA position 589, C replaced by T.
Protein change: p.Arg197Cys; replaces arginine 197 with cysteine.
Molecular consequence: missense variant.
Genome position (GRCh38, 1-based): chr20:44,160,198, G>A on the plus strand (C>T on the coding strand, the complement: JPH2 is on the minus strand). VCF-style: chr20-44160198-G-A. GRCh37 (hg19) VCF-style: chr20-42788838-G-A.
Other names: short protein forms R197C.
Identifiers: ClinVar variation 1750359 (VCV001750359.3), dbSNP rs2072599611, ClinGen allele CA409094081.

ClinVar aggregate classification (germline): Uncertain significance. Review status: criteria provided, multiple submitters, no conflicts (2 of 4 stars). 2 submissions from 2 submitters: Uncertain significance (2). Last evaluated 2025-05-25.

Conditions:
Cardiovascular phenotype. Identifiers: MedGen CN230736.

Allele frequency attached by ClinVar (database versions not stated): TOPMed below 0.00001.
gnomAD v4.1: 1 of 1,403,544 alleles (0.000071%); highest among the groups gnomAD compares: Middle Eastern, 0.025%; no homozygotes.

Submissions (2):

GeneDx
Classification: Uncertain significance. Last evaluated: 2025-05-25. Review status: criteria provided, single submitter. Criteria: GeneDx Variant Classification Process June 2021. Collection method: clinical testing. Allele origin: germline. Affected: yes.
Comment: Not observed at significant frequency in large population cohorts (gnomAD); In silico analysis supports that this missense variant has a deleterious effect on protein structure/function; Has not been previously published as pathogenic or benign to our knowledge

Ambry Genetics
Classification: Uncertain significance for Cardiovascular phenotype. Last evaluated: 2021-08-09. Review status: criteria provided, single submitter. Criteria: Ambry Variant Classification Scheme 2023. Collection method: clinical testing. Allele origin: germline.
Comment: The p.R197C variant (also known as c.589C>T), located in coding exon 2 of the JPH2 gene, results from a C to T substitution at nucleotide position 589. The arginine at codon 197 is replaced by cysteine, an amino acid with highly dissimilar properties. This amino acid position is conserved. In addition, the in silico prediction for this alteration is inconclusive. Since supporting evidence is limited at this time, the clinical significance of this alteration remains unclear.